The following is an entry in ClinVar:

ClinVar aggregate classification (germline): Uncertain significance (1 of 4 stars; one submission).

Conditions:
Holoprosencephaly 5 (HPE5). Identifiers: Orphanet 2162, MedGen C1864827, MONDO:0012322, OMIM 609637.

gnomAD v4.1: 14 of 1,490,202 alleles (0.00094%); highest among the groups gnomAD compares: Non-Finnish European, 0.0012%; no homozygotes.

Submission:

Labcorp Genetics (formerly Invitae), Labcorp
Classification: Uncertain significance for Holoprosencephaly 5. Last evaluated: 2025-10-24. Review status: criteria provided, single submitter. Criteria: Invitae Variant Classification Sherloc (09022015). Collection method: clinical testing. Allele origin: germline.
Comment: This sequence change replaces serine, which is neutral and polar, with proline, which is neutral and non-polar, at codon 75 of the ZIC2 protein (p.Ser75Pro). The frequency data for this variant in the population databases is considered unreliable, as metrics indicate poor data quality at this position in the gnomAD database. This variant has not been reported in the literature in individuals affected with ZIC2-related conditions. Invitae Evidence Modeling of protein sequence and biophysical properties (such as structural, functional, and spatial information, amino acid conservation, physicochemical variation, residue mobility, and thermodynamic stability) indicates that this missense variant is not expected to disrupt ZIC2 protein function with a negative predictive value of 80%. In summary, the available evidence is currently insufficient to determine the role of this variant in disease. Therefore, it has been classified as a Variant of Uncertain Significance.

NM_007129.5(ZIC2):c.223T>C (p.Ser75Pro)

Gene: ZIC2 (Zic family zinc finger 2; plus strand). Cytogenetic location: 13q32.3.
Variant type: single nucleotide variant.
Coding change: c.223T>C on transcript NM_007129.5 (MANE Select); coding-DNA position 223, T replaced by C.
Protein change: p.Ser75Pro; replaces serine 75 with proline.
Molecular consequence: missense variant.
Genome position (GRCh38, 1-based): chr13:99,982,287, T>C. VCF-style: chr13-99982287-T-C. GRCh37 (hg19) VCF-style: chr13-100634541-T-C.
Other names: short protein forms S75P.
Identifiers: ClinVar variation 4736896 (VCV004736896.1).